The following is an entry in ClinVar:

NM_030632.3(ASXL3):c.588G>C (p.Ser196=)

Gene: ASXL3 (ASXL transcriptional regulator 3; plus strand). Cytogenetic location: 18q12.1.
Variant type: single nucleotide variant.
Coding change: c.588G>C on transcript NM_030632.3 (MANE Select); coding-DNA position 588, G replaced by C.
Protein change: p.Ser196=; no amino-acid change (serine 196 retained).
Molecular consequence: synonymous variant.
Genome position (GRCh38, 1-based): chr18:33,670,783, G>C. VCF-style: chr18-33670783-G-C. GRCh37 (hg19) VCF-style: chr18-31250747-G-C.
Other names: c.588G>C (NM_030632.2).
Identifiers: ClinVar variation 2648639 (VCV002648639.26), dbSNP rs755997232, ClinGen allele CA8933579.

ClinVar aggregate classification (germline): Likely benign. Review status: criteria provided, multiple submitters, no conflicts (2 of 4 stars). 3 submissions from 3 submitters: Likely benign (3). Last evaluated 2025-07-02.

Conditions:
ASXL3-related disorder. Also called: ASXL3-related condition. Identifiers: MedGen CN381524.

Allele frequency attached by ClinVar (database versions not stated): TOPMed 0.00008; gnomAD 0.00025.
gnomAD v4.1: 285 of 1,540,222 alleles (0.019%); highest among the groups gnomAD compares: South Asian, 0.015%; no homozygotes.

Submissions (3):

PreventionGenetics, part of Exact Sciences
Classification: Likely benign for ASXL3-related condition. Last evaluated: 2025-07-02. Review status: criteria provided, single submitter. Criteria: ACMG Guidelines, 2015. Collection method: clinical testing. Allele origin: germline.
Comment: This variant is classified as likely benign based on ACMG/AMP sequence variant interpretation guidelines (Richards et al. 2015 PMID: 25741868, with internal and published modifications).

Blueprint Genetics
Classification: Likely benign. Last evaluated: 2024-02-28. Review status: criteria provided, single submitter. Criteria: ACMG Guidelines, 2015. Collection method: clinical testing. Allele origin: germline.

CeGaT Center for Human Genetics Tuebingen
Classification: Likely benign. Last evaluated: 2023-06-01. Review status: criteria provided, single submitter. Criteria: CeGaT Center For Human Genetics Tuebingen Variant Classification Criteria Version 2. Collection method: clinical testing. Allele origin: germline. Affected: yes. Observed: 1 variant allele.
Comment: ASXL3: BP4, BP7